The following is an entry in ClinVar:

NM_001497.4(B4GALT1):c.1096A>T (p.Met366Leu)

Gene: B4GALT1 (beta-1,4-galactosyltransferase 1; minus strand). Cytogenetic location: 9p21.1.
Variant type: single nucleotide variant.
Coding change: c.1096A>T on transcript NM_001497.4 (MANE Select); coding-DNA position 1096, A replaced by T.
Protein change: p.Met366Leu; replaces methionine 366 with leucine.
Molecular consequence: missense variant. On other transcripts: intron variant (1).
Genome position (GRCh38, 1-based): chr9:33,113,555, T>A on the plus strand (A>T on the coding strand, the complement: B4GALT1 is on the minus strand). VCF-style: chr9-33113555-T-A. GRCh37 (hg19) VCF-style: chr9-33113553-T-A.
Other names: c.1057A>T, p.Met353Leu (NM_001378495.1); c.973A>T, p.Met325Leu (NM_001378496.1); c.649-8774A>T (NM_001378497.1); short protein forms M366L, M325L, M353L.
Identifiers: ClinVar variation 449848 (VCV000449848.5), dbSNP rs377678566, ClinGen allele CA5023592.

ClinVar aggregate classification (germline): Uncertain significance. Review status: criteria provided, multiple submitters, no conflicts (2 of 4 stars). 2 submissions from 2 submitters: Uncertain significance (2). Last evaluated 2024-11-04.

Allele frequency attached by ClinVar (database versions not stated): ESP Exome Variant Server 0.00008; TOPMed 0.00005.
gnomAD v4.1: 92 of 1,614,084 alleles (0.0057%); highest among the groups gnomAD compares: Non-Finnish European, 0.0075%; no homozygotes.

Submissions (2):

Labcorp Genetics (formerly Invitae), Labcorp
Classification: Uncertain significance. Last evaluated: 2024-11-04. Review status: criteria provided, single submitter. Criteria: Invitae Variant Classification Sherloc (09022015). Collection method: clinical testing. Allele origin: germline.
Comment: This sequence change replaces methionine, which is neutral and non-polar, with leucine, which is neutral and non-polar, at codon 366 of the B4GALT1 protein (p.Met366Leu). This variant is present in population databases (rs377678566, gnomAD 0.01%). This variant has not been reported in the literature in individuals affected with B4GALT1-related conditions. ClinVar contains an entry for this variant (Variation ID: 449848). Invitae Evidence Modeling of protein sequence and biophysical properties (such as structural, functional, and spatial information, amino acid conservation, physicochemical variation, residue mobility, and thermodynamic stability) indicates that this missense variant is not expected to disrupt B4GALT1 protein function with a negative predictive value of 80%. In summary, the available evidence is currently insufficient to determine the role of this variant in disease. Therefore, it has been classified as a Variant of Uncertain Significance.

GeneDx
Classification: Uncertain significance. Last evaluated: 2017-08-17. Review status: criteria provided, single submitter. Criteria: GeneDx Variant Classification (06012015). Collection method: clinical testing. Allele origin: germline. Affected: yes.
Comment: The M366L variant has not been published as a pathogenic variant, nor has it been reported as a benign variant to our knowledge. The M366L variant is observed in 9/66730 (0.01%) alleles from individuals of European background, in large population cohorts (Lek et al., 2016; 1000 Genomes Consortium et al., 2015; Exome Variant Server). The M366L variant is a conservative amino acid substitution, which is not likely to impact secondary protein structure as these residues share similar properties. This substitution occurs at a position that is conserved across species. In silico analysis is inconsistent in its predictions as to whether or not the variant is damaging to the protein structure/function. In summary, based on the currently available information, it is unclear whether this variant is a pathogenic variant or a rare benign variant.